The following is an entry in ClinVar:

ClinVar aggregate classification (germline): Uncertain significance. Review status: criteria provided, multiple submitters, no conflicts (2 of 4 stars). 2 submissions from 2 submitters: Uncertain significance (2). Last evaluated 2024-02-09.

Conditions:
Hereditary cancer-predisposing syndrome. Also called: Tumor predisposition; Neoplastic Syndromes, Hereditary; Hereditary Cancer Syndrome; Hereditary neoplastic syndrome. Identifiers: Orphanet 140162, MedGen C0027672, MeSH D009386, MONDO:0015356.
Tumor predisposition syndrome 3 (TPDS3). Also called: Melanoma, cutaneous malignant, susceptibility to, 10; LONG TELOMERE SYNDROME, POT1-RELATED; POT1 Tumor Predisposition; Glioma susceptibility 9. Identifiers: Orphanet 618, MedGen C4014476, MONDO:0014368, OMIM 615848.

Submissions (2):

Ambry Genetics
Classification: Uncertain significance for Hereditary cancer-predisposing syndrome. Last evaluated: 2024-02-09. Review status: criteria provided, single submitter. Criteria: Ambry Variant Classification Scheme 2023. Collection method: clinical testing. Allele origin: germline.
Comment: The p.N8Y variant (also known as c.22A>T), located in coding exon 2 of the POT1 gene, results from an A to T substitution at nucleotide position 22. The asparagine at codon 8 is replaced by tyrosine, an amino acid with dissimilar properties. This amino acid position is conserved. In addition, this alteration is predicted to be tolerated by in silico analysis. Based on the available evidence, the clinical significance of this alteration remains unclear.

Labcorp Genetics (formerly Invitae), Labcorp
Classification: Uncertain significance for Tumor predisposition syndrome 3. Last evaluated: 2021-05-17. Review status: criteria provided, single submitter. Criteria: Invitae Variant Classification Sherloc (09022015). Collection method: clinical testing. Allele origin: germline.
Comment: In summary, the available evidence is currently insufficient to determine the role of this variant in disease. Therefore, it has been classified as a Variant of Uncertain Significance. Algorithms developed to predict the effect of missense changes on protein structure and function (SIFT, PolyPhen-2, Align-GVGD) all suggest that this variant is likely to be tolerated, but these predictions have not been confirmed by published functional studies and their clinical significance is uncertain. This variant has not been reported in the literature in individuals with POT1-related conditions. This variant is not present in population databases (ExAC no frequency). This sequence change replaces asparagine with tyrosine at codon 8 of the POT1 protein (p.Asn8Tyr). The asparagine residue is weakly conserved and there is a large physicochemical difference between asparagine and tyrosine.

NM_015450.3(POT1):c.22A>T (p.Asn8Tyr)

Gene: POT1 (protection of telomeres 1; minus strand). Cytogenetic location: 7q31.33.
Variant type: single nucleotide variant.
Coding change: c.22A>T on transcript NM_015450.3 (MANE Select); coding-DNA position 22, A replaced by T.
Protein change: p.Asn8Tyr; replaces asparagine 8 with tyrosine.
Molecular consequence: missense variant. On other transcripts: 5 prime UTR variant (1), non-coding transcript variant (3).
Genome position (GRCh38, 1-based): chr7:124,892,368, T>A on the plus strand (A>T on the coding strand, the complement: POT1 is on the minus strand). VCF-style: chr7-124892368-T-A. GRCh37 (hg19) VCF-style: chr7-124532422-T-A.
Other names: c.22A>T (NM_015450.2); c.-241A>T (NM_001042594.2); short protein forms N8Y.
Identifiers: ClinVar variation 1498715 (VCV001498715.9), dbSNP rs1454480268, ClinGen allele CA369066298.
Genomic context (GRCh38, chr7:124,892,368, plus strand): 5'-CACCATAGACATTGACAATTGTACCACCCTTAAGTTGATTCAGGGGTGTATATATATAAT[T>A]TGTTGCTGGAACCTAAAGAAAGAGAAGACAGTGAATACATTTATACAAAGTATTTACATT-3'
Protein context (NP_056265.2, residues 1-18): MSLVPAT[Asn8Tyr]YIYTPLNQLK